The following is an entry in ClinVar:

NM_001148.6(ANK2):c.4984G>A (p.Ala1662Thr)

Gene: ANK2 (ankyrin 2; plus strand). Cytogenetic location: 4q26.
Variant type: single nucleotide variant.
Coding change: c.4984G>A on transcript NM_001148.6 (MANE Select); coding-DNA position 4984, G replaced by A.
Protein change: p.Ala1662Thr; replaces alanine 1662 with threonine.
Molecular consequence: missense variant. On other transcripts: intron variant (68).
Genome position (GRCh38, 1-based): chr4:113,353,602, G>A. VCF-style: chr4-113353602-G-A. GRCh37 (hg19) VCF-style: chr4-114274758-G-A.
Other names: c.4750G>A, p.Ala1584Thr (NM_001386142.1); c.1384G>A, p.Ala462Thr (NM_001386166.1); c.5125G>A, p.Ala1709Thr (NM_001386174.1); c.5101G>A, p.Ala1701Thr (NM_001386175.1); c.4411+3353G>A (NM_001386186.2, NM_001386148.2); c.4213+3353G>A (NM_001354269.3); c.4291+3353G>A (NM_001386187.2); c.4252+3353G>A (NM_001386147.1); and 35 more; short protein forms A1662T, A1584T, A1701T, A1709T, A462T.
Identifiers: ClinVar variation 526929 (VCV000526929.5), dbSNP rs1230654392, ClinGen allele CA357917692.
Genomic context (GRCh38, chr4:113,353,602, plus strand): 5'-GATGATCTGAATACCTGTGTGCCTCTTCCCAAAGAGCAGCTGCAGACAGTTCAAGATAAG[G>A]CAGGGAAGAAATGTGAGGCTCTGGCTGTTGGCAGGAGCTCTGAAAAGGAAGGGAAAGACA-3'
Protein context (NP_001139.3, residues 1652-1672): KEQLQTVQDK[Ala1662Thr]GKKCEALAVG

ClinVar aggregate classification (germline): Uncertain significance (1 of 4 stars; one submission).

Conditions:
Long QT syndrome (LQTS). Identifiers: MedGen C0023976, MeSH D008133, MONDO:0002442. Disease mechanism: loss of function. Inheritance: Various modes of inheritance.

Allele frequency attached by ClinVar (database versions not stated): gnomAD exomes below 0.00001.
gnomAD v4.1: 2 of 1,614,040 alleles (0.00012%); highest among the groups gnomAD compares: South Asian, 0.0022%; no homozygotes.

Submission:

Labcorp Genetics (formerly Invitae), Labcorp
Classification: Uncertain significance for Long QT syndrome. Last evaluated: 2017-09-25. Review status: criteria provided, single submitter. Criteria: Invitae Variant Classification Sherloc (09022015). Collection method: clinical testing. Allele origin: germline.
Comment: This variant has not been reported in the literature in individuals with ANK2-related disease. This variant is not present in population databases (ExAC no frequency). This sequence change replaces alanine with threonine at codon 1662 of the ANK2 protein (p.Ala1662Thr). The alanine residue is weakly conserved and there is a small physicochemical difference between alanine and threonine. Algorithms developed to predict the effect of missense changes on protein structure and function output the following: SIFT: "Tolerated"; PolyPhen-2: "Benign"; Align-GVGD: "Class C0". The threonine amino acid residue is found in multiple mammalian species, suggesting that this missense change does not adversely affect protein function. These predictions have not been confirmed by published functional studies and their clinical significance is uncertain. In summary, the available evidence is currently insufficient to determine the role of this variant in disease. Therefore, it has been classified as a Variant of Uncertain Significance.